The following is an entry in ClinVar:

ClinVar aggregate classification (germline): Uncertain significance (1 of 4 stars; one submission).

Submission:

GeneDx
Classification: Uncertain significance. Last evaluated: 2024-02-23. Review status: criteria provided, single submitter. Criteria: GeneDx Variant Classification Process June 2021. Collection method: clinical testing. Allele origin: germline. Affected: yes.
Comment: Not observed at significant frequency in large population cohorts (gnomAD); In silico analysis supports that this missense variant has a deleterious effect on protein structure/function; Has not been previously published as pathogenic or benign to our knowledge

NM_198994.3(TGM6):c.1784A>C (p.Lys595Thr)

Gene: TGM6 (transglutaminase 6; plus strand). Cytogenetic location: 20p13.
Variant type: single nucleotide variant.
Coding change: c.1784A>C on transcript NM_198994.3 (MANE Select); coding-DNA position 1784, A replaced by C.
Protein change: p.Lys595Thr; replaces lysine 595 with threonine.
Molecular consequence: missense variant.
Genome position (GRCh38, 1-based): chr20:2,430,551, A>C. VCF-style: chr20-2430551-A-C. GRCh37 (hg19) VCF-style: chr20-2411197-A-C.
Other names: c.1784A>C, p.Lys595Thr (NM_001254734.2); short protein forms K595T.
Identifiers: ClinVar variation 3369574 (VCV003369574.1).